The following is an entry in ClinVar:

ClinVar aggregate classification (germline): Conflicting classifications of pathogenicity. Review status: criteria provided, conflicting classifications (1 of 4 stars). 2 submissions from 2 submitters: Uncertain significance (1); Likely benign (1). Last evaluated 2025-02-27.

Allele frequency attached by ClinVar (database versions not stated): gnomAD 0.00001; TOPMed 0.00001.
gnomAD v4.1: 25 of 1,584,576 alleles (0.0016%); highest among the groups gnomAD compares: Non-Finnish European, 0.0021%; no homozygotes.

Submissions (2):

Labcorp Genetics (formerly Invitae), Labcorp
Classification: Uncertain significance. Last evaluated: 2025-02-27. Review status: criteria provided, single submitter. Criteria: Invitae Variant Classification Sherloc (09022015). Collection method: clinical testing. Allele origin: germline.
Comment: This sequence change replaces proline, which is neutral and non-polar, with histidine, which is basic and polar, at codon 3018 of the DCHS1 protein (p.Pro3018His). The frequency data for this variant in the population databases is considered unreliable, as metrics indicate poor data quality at this position in the gnomAD database. This variant has not been reported in the literature in individuals affected with DCHS1-related conditions. ClinVar contains an entry for this variant (Variation ID: 2179037). Invitae Evidence Modeling of protein sequence and biophysical properties (such as structural, functional, and spatial information, amino acid conservation, physicochemical variation, residue mobility, and thermodynamic stability) has been performed for this missense variant. However, the output from this modeling did not meet the statistical confidence thresholds required to predict the impact of this variant on DCHS1 protein function. In summary, the available evidence is currently insufficient to determine the role of this variant in disease. Therefore, it has been classified as a Variant of Uncertain Significance.

Blueprint Genetics
Classification: Likely benign. Last evaluated: 2024-08-15. Review status: criteria provided, single submitter. Criteria: ACMG Guidelines, 2015. Collection method: clinical testing. Allele origin: germline.

NM_003737.4(DCHS1):c.9053C>A (p.Pro3018His)

Gene: DCHS1 (dachsous cadherin-related 1; minus strand). Cytogenetic location: 11p15.4.
Variant type: single nucleotide variant.
Coding change: c.9053C>A on transcript NM_003737.4 (MANE Select); coding-DNA position 9053, C replaced by A.
Protein change: p.Pro3018His; replaces proline 3018 with histidine.
Molecular consequence: missense variant.
Genome position (GRCh38, 1-based): chr11:6,622,623, G>T on the plus strand (C>A on the coding strand, the complement: DCHS1 is on the minus strand). VCF-style: chr11-6622623-G-T. GRCh37 (hg19) VCF-style: chr11-6643854-G-T.
Other names: short protein forms P3018H.
Identifiers: ClinVar variation 2179037 (VCV002179037.5), dbSNP rs1477885883, ClinGen allele CA379479755.